The following is an entry in ClinVar:

NM_001369.3(DNAH5):c.9373+1G>C

Gene: DNAH5 (dynein axonemal heavy chain 5; minus strand). Cytogenetic location: 5p15.2.
Variant type: single nucleotide variant.
Coding change: c.9373+1G>C on transcript NM_001369.3 (MANE Select); the canonical splice donor site of the intron after coding-DNA position 9373, G replaced by C.
Molecular consequence: splice donor variant.
Genome position (GRCh38, 1-based): chr5:13,776,438, C>G on the plus strand (G>C on the coding strand, the complement: DNAH5 is on the minus strand). VCF-style: chr5-13776438-C-G. GRCh37 (hg19) VCF-style: chr5-13776547-C-G.
Identifiers: ClinVar variation 935108 (VCV000935108.8), dbSNP rs1754098584, ClinGen allele CA359207665.
Genomic context (GRCh38, chr5:13,776,438, plus strand): 5'-CTGAAAGAACTAGAATCCTTGAACACATGTTATGCCCTGGCATAAACATTTCCATACTAA[C>G]CAGCAACTAAAGCATCTTTGGGCCATCGGCTGAACCAGTCAATTGTGCATCCTGAAATTA-3'

ClinVar aggregate classification (germline): Likely pathogenic (1 of 4 stars; one submission).

Conditions:
Primary ciliary dyskinesia. Also called: Ciliary dyskinesia. Identifiers: Orphanet 244, MedGen C0008780, MONDO:0016575, HP:0012265.

Submission:

Labcorp Genetics (formerly Invitae), Labcorp
Classification: Likely pathogenic for Primary ciliary dyskinesia. Last evaluated: 2019-05-30. Review status: criteria provided, single submitter. Criteria: Invitae Variant Classification Sherloc (09022015). Collection method: clinical testing. Allele origin: germline.
Comment: Donor and acceptor splice site variants typically lead to a loss of protein function (PMID: 16199547), and loss-of-function variants in DNAH5 are known to be pathogenic (PMID: 11788826, 16627867). In summary, the currently available evidence indicates that the variant is pathogenic, but additional data are needed to prove that conclusively. Therefore, this variant has been classified as Likely Pathogenic. Algorithms developed to predict the effect of sequence changes on RNA splicing suggest that this variant may disrupt the consensus splice site, but this prediction has not been confirmed by published transcriptional studies. This sequence change affects a donor splice site in intron 55 of the DNAH5 gene. It is expected to disrupt RNA splicing and likely results in an absent or disrupted protein product. This variant is not present in population databases (ExAC no frequency). This variant has not been reported in the literature in individuals with DNAH5-related conditions.

Literature cited by the submitters: PubMed 16199547; PubMed 11788826; PubMed 16627867.